The following is an entry in ClinVar:

ClinVar aggregate classification (germline): Uncertain significance (1 of 4 stars; one submission).

Submission:

GeneDx
Classification: Uncertain significance. Last evaluated: 2024-05-26. Review status: criteria provided, single submitter. Criteria: GeneDx Variant Classification Process June 2021. Collection method: clinical testing. Allele origin: germline. Affected: yes.
Comment: Not observed at significant frequency in large population cohorts (gnomAD); In silico analysis supports that this missense variant has a deleterious effect on protein structure/function; Has not been previously published as pathogenic or benign to our knowledge

NM_032217.5(ANKRD17):c.5252T>C (p.Ile1751Thr)

Gene: ANKRD17 (ankyrin repeat domain 17; minus strand). Cytogenetic location: 4q13.3.
Variant type: single nucleotide variant.
Coding change: c.5252T>C on transcript NM_032217.5 (MANE Select); coding-DNA position 5252, T replaced by C.
Protein change: p.Ile1751Thr; replaces isoleucine 1751 with threonine.
Molecular consequence: missense variant.
Genome position (GRCh38, 1-based): chr4:73,094,154, A>G on the plus strand (T>C on the coding strand, the complement: ANKRD17 is on the minus strand). VCF-style: chr4-73094154-A-G. GRCh37 (hg19) VCF-style: chr4-73959871-A-G.
Other names: c.4913T>C, p.Ile1638Thr (NM_001286771.3); c.5249T>C, p.Ile1750Thr (NM_015574.2); c.4499T>C, p.Ile1500Thr (NM_198889.3); short protein forms I1500T, I1638T, I1750T, I1751T.
Identifiers: ClinVar variation 3384463 (VCV003384463.1).